The following is an entry in ClinVar:

NM_001933.5(DLST):c.752T>A (p.Phe251Tyr)

Gene: DLST (dihydrolipoamide S-succinyltransferase; plus strand). Cytogenetic location: 14q24.3.
Variant type: single nucleotide variant.
Coding change: c.752T>A on transcript NM_001933.5 (MANE Select); coding-DNA position 752, T replaced by A.
Protein change: p.Phe251Tyr; replaces phenylalanine 251 with tyrosine.
Molecular consequence: missense variant. On other transcripts: non-coding transcript variant (2).
Genome position (GRCh38, 1-based): chr14:74,894,391, T>A. VCF-style: chr14-74894391-T-A. GRCh37 (hg19) VCF-style: chr14-75361094-T-A.
Other names: c.752T>A (NM_001933.4); short protein forms F251Y.
Identifiers: ClinVar variation 2855675 (VCV002855675.5), dbSNP rs61741963, ClinGen allele CA7273622.

ClinVar aggregate classification (germline): Benign. Review status: criteria provided, single submitter (1 of 4 stars). 2 submissions from 2 submitters: Benign (1). 1 of the submissions does not count toward it. Last evaluated 2026-01-14.

Conditions:
DLST-related disorder. Also called: DLST-related condition.

Allele frequency attached by ClinVar (database versions not stated): ExAC 0.00266; 1000 Genomes Project 30x 0.01093; TOPMed 0.00946; ESP Exome Variant Server 0.01038; gnomAD 0.00880; 1000 Genomes Project 0.01018.
gnomAD v4.1: 2,700 of 1,614,152 alleles (0.17%); highest among the groups gnomAD compares: African/African-American, 3.3%; 58 homozygotes.

Submissions (2):

Labcorp Genetics (formerly Invitae), Labcorp
Classification: Benign. Last evaluated: 2026-01-14. Review status: criteria provided, single submitter. Criteria: Invitae Variant Classification Sherloc (09022015). Collection method: clinical testing. Allele origin: germline.

PreventionGenetics, part of Exact Sciences
Classification: Benign for DLST-related condition. Last evaluated: 2019-06-10. Review status: no assertion criteria provided. Collection method: clinical testing. Allele origin: germline. Not counted in ClinVar's aggregate classification.
Comment: This variant is classified as benign based on ACMG/AMP sequence variant interpretation guidelines (Richards et al. 2015 PMID: 25741868, with internal and published modifications).